The following is an entry in ClinVar:

ClinVar aggregate classification (germline): Pathogenic (1 of 4 stars; one submission).

Conditions:
Fanconi anemia (FA). Also called: Fanconi's anemia. Identifiers: Orphanet 84, MedGen C0015625, MeSH D005199, MONDO:0019391.

Submission:

Labcorp Genetics (formerly Invitae), Labcorp
Classification: Pathogenic for Fanconi anemia. Last evaluated: 2024-01-04. Review status: criteria provided, single submitter. Criteria: Invitae Variant Classification Sherloc (09022015). Collection method: clinical testing. Allele origin: unknown.
Comment: This variant is a gross deletion of the genomic region encompassing exon(s) 2 of the FANCD2 gene, which includes the initiator codon. This deletion extends beyond the assayed region for this gene and therefore may encompass additional genes. It is expected to result in an absent or disrupted protein product. Loss-of-function variants in FANCD2 are known to be pathogenic (PMID: 17436244). This variant has not been reported in the literature in individuals affected with FANCD2-related conditions. For these reasons, this variant has been classified as Pathogenic.

Literature cited by the submitters: PubMed 17436244.

NC_000003.11:g.(?_10070342)_(10070425_?)del

Gene: FANCD2 (FA complementation group D2; plus strand). Cytogenetic location: 3p25.3.
Variant type: Deletion.
Identifiers: ClinVar variation 3246812 (VCV003246812.1).